The following is an entry in ClinVar:

NM_006612.6(KIF1C):c.1479C>G (p.Phe493Leu)

Gene: KIF1C (kinesin family member 1C; plus strand). Cytogenetic location: 17p13.2.
Variant type: single nucleotide variant.
Coding change: c.1479C>G on transcript NM_006612.6 (MANE Select); coding-DNA position 1479, C replaced by G.
Protein change: p.Phe493Leu; replaces phenylalanine 493 with leucine.
Molecular consequence: missense variant.
Genome position (GRCh38, 1-based): chr17:5,007,530, C>G. VCF-style: chr17-5007530-C-G. GRCh37 (hg19) VCF-style: chr17-4910825-C-G.
Other names: short protein forms F493L.
Identifiers: ClinVar variation 4528107 (VCV004528107.1).

ClinVar aggregate classification (germline): Uncertain significance (1 of 4 stars; one submission).

Submission:

GeneDx
Classification: Uncertain significance. Last evaluated: 2025-05-06. Review status: criteria provided, single submitter. Criteria: GeneDx Variant Classification Process June 2021. Collection method: clinical testing. Allele origin: germline. Affected: yes.
Comment: Not observed at significant frequency in large population cohorts (gnomAD); In silico analysis supports that this missense variant has a deleterious effect on protein structure/function; Has not been previously published as pathogenic or benign to our knowledge